The following is an entry in ClinVar:

ClinVar aggregate classification (germline): Benign/Likely benign. Review status: criteria provided, single submitter (1 of 4 stars). 2 submissions from 1 submitter: Benign (1); Likely benign (1). Last evaluated 2017-04-27.

Conditions:
Retinitis pigmentosa (RP). Identifiers: Orphanet 791, MedGen C0035334, MeSH D012174, MONDO:0019200, OMIM 268000. Inheritance: Autosomal dominant, autosomal recessive and X linked inheritance.
Leber congenital amaurosis 11 (LCA11). Identifiers: Orphanet 65, MedGen C1840284, MONDO:0013454, OMIM 613837.

Allele frequency attached by ClinVar (database versions not stated): 1000 Genomes Project 30x 0.00219; 1000 Genomes Project 0.00240; TOPMed 0.00374; gnomAD 0.00415 and 0.00426.
gnomAD v4.1: 2,258 of 486,814 alleles (0.46%); highest among the groups gnomAD compares: Non-Finnish European, 0.62%; 10 homozygotes.

Submissions (2):

Illumina Laboratory Services, Illumina
Classification: Likely benign for Leber congenital amaurosis 11. Last evaluated: 2017-04-27. Review status: criteria provided, single submitter. Criteria: ICSL Variant Classification Criteria 13 December 2019. Collection method: clinical testing. Allele origin: germline.
Comment: This variant was observed as part of a predisposition screen in an ostensibly healthy population. A literature search was performed for the gene, cDNA change, and amino acid change (where applicable). No publications were found based on this search. Allele frequency data from public databases allowed determination this variant is unlikely to cause disease. Therefore, this variant is classified as likely benign.

Illumina Laboratory Services, Illumina
Classification: Benign for Retinitis pigmentosa. Last evaluated: 2017-04-27. Review status: criteria provided, single submitter. Criteria: ICSL Variant Classification Criteria 13 December 2019. Collection method: clinical testing. Allele origin: germline.
Comment: This variant was observed as part of a predisposition screen in an ostensibly healthy population. A literature search was performed for the gene, cDNA change, and amino acid change (where applicable). No publications were found based on this search. Allele frequency data from public databases was too high to be consistent with this variant causing disease. Therefore, this variant is classified as benign.

NM_000883.4(IMPDH1):c.*276C>T

Gene: IMPDH1 (inosine monophosphate dehydrogenase 1; minus strand). Cytogenetic location: 7q32.1.
Variant type: single nucleotide variant.
Coding change: c.*276C>T on transcript NM_000883.4 (MANE Select); 276 bases downstream of the stop codon, C replaced by T.
Molecular consequence: 3 prime UTR variant.
Genome position (GRCh38, 1-based): chr7:128,392,731, G>A on the plus strand (C>T on the coding strand, the complement: IMPDH1 is on the minus strand). VCF-style: chr7-128392731-G-A. GRCh37 (hg19) VCF-style: chr7-128032785-G-A.
Other names: c.*276C>T (NM_001102605.2, NM_001142573.2, NM_001142574.2 and 4 more transcripts).
Identifiers: ClinVar variation 910679 (VCV000910679.4), dbSNP rs72624977, ClinGen allele CA166119497.